The following is an entry in ClinVar:

NM_004115.4(FGF14):c.482T>G (p.Leu161Trp)

Gene: FGF14 (fibroblast growth factor 14; minus strand). Cytogenetic location: 13q33.1.
Variant type: single nucleotide variant.
Coding change: c.482T>G on transcript NM_004115.4 (MANE Select); coding-DNA position 482, T replaced by G.
Protein change: p.Leu161Trp; replaces leucine 161 with tryptophan.
Molecular consequence: missense variant.
Genome position (GRCh38, 1-based): chr13:101,726,737, A>C on the plus strand (T>G on the coding strand, the complement: FGF14 is on the minus strand). VCF-style: chr13-101726737-A-C. GRCh37 (hg19) VCF-style: chr13-102379087-A-C.
Other names: c.230T>G, p.Leu77Trp (NM_001321931.1, NM_001321934.1, NM_001321935.1 and 4 more transcripts); c.293T>G, p.Leu98Trp (NM_001321932.1, NM_001321936.1, NM_001321944.1); c.302T>G, p.Leu101Trp (NM_001321933.1, NM_001321938.2, NM_001321940.1); c.386T>G, p.Leu129Trp (NM_001321939.2); c.296T>G, p.Leu99Trp (NM_001321941.2); c.380T>G, p.Leu127Trp (NM_001321945.2, NM_001321948.2, NM_001379342.1); c.341T>G, p.Leu114Trp (NM_001321947.2); c.497T>G, p.Leu166Trp (NM_175929.3); short protein forms L114W, L129W, L161W, L101W, L166W, L99W, L127W, L77W.
Identifiers: ClinVar variation 2849354 (VCV002849354.3), dbSNP rs2548901536, ClinGen allele CA388711263.
Genomic context (GRCh38, chr13:101,726,737, plus strand): 5'-GCTTGCCCTTCCTTATTTAATCCCAAAAACCAGGCTCTACCAGATTCCTGTTGTCTGTAC[A>C]ACATGGATGAGTAGATTACATAATAATTTTCAAAAACAGATTCTTTAAACTTGCATTCAG-3'
Protein context (NP_004106.1, residues 151-171): ENYYVIYSSM[Leu161Trp]YRQQESGRAW

ClinVar aggregate classification (germline): Uncertain significance (1 of 4 stars; one submission).

Submission:

Labcorp Genetics (formerly Invitae), Labcorp
Classification: Uncertain significance. Last evaluated: 2023-04-04. Review status: criteria provided, single submitter. Criteria: Invitae Variant Classification Sherloc (09022015). Collection method: clinical testing. Allele origin: germline.
Comment: This sequence change replaces leucine, which is neutral and non-polar, with tryptophan, which is neutral and slightly polar, at codon 161 of the FGF14 protein (p.Leu161Trp). This variant is not present in population databases (gnomAD no frequency). This variant has not been reported in the literature in individuals affected with FGF14-related conditions. Advanced modeling of protein sequence and biophysical properties (such as structural, functional, and spatial information, amino acid conservation, physicochemical variation, residue mobility, and thermodynamic stability) has been performed at Invitae for this missense variant, however the output from this modeling did not meet the statistical confidence thresholds required to predict the impact of this variant on FGF14 protein function. In summary, the available evidence is currently insufficient to determine the role of this variant in disease. Therefore, it has been classified as a Variant of Uncertain Significance.